The following is an entry in ClinVar:

NM_007363.5(NONO):c.1257G>T (p.Met419Ile)

Gene: NONO (non-POU domain containing octamer binding; plus strand). Cytogenetic location: Xq13.1.
Variant type: single nucleotide variant.
Coding change: c.1257G>T on transcript NM_007363.5 (MANE Select); coding-DNA position 1257, G replaced by T.
Protein change: p.Met419Ile; replaces methionine 419 with isoleucine.
Molecular consequence: missense variant.
Genome position (GRCh38, 1-based): chrX:71,298,792, G>T. VCF-style: chrX-71298792-G-T. GRCh37 (hg19) VCF-style: chrX-70518642-G-T.
Other names: c.1257G>T, p.Met419Ile (NM_001145408.2, NM_001145409.2); c.990G>T, p.Met330Ile (NM_001145410.2); short protein forms M330I, M419I.
Identifiers: ClinVar variation 4976197 (VCV004976197.1).

ClinVar aggregate classification (germline): Uncertain significance (1 of 4 stars; one submission).

gnomAD v4.1: 1 of 1,206,255 alleles (0.000083%); highest among the groups gnomAD compares: African/African-American, 0.0017%; no homozygotes.

Submission:

GeneDx
Classification: Uncertain significance. Last evaluated: 2026-02-04. Review status: criteria provided, single submitter. Criteria: GeneDx Variant Classification Process June 2021. Collection method: clinical testing. Allele origin: germline.
Comment: Not observed at significant frequency in large population cohorts (gnomAD); In silico analysis suggests that this missense variant does not alter protein structure/function; Has not been previously published as pathogenic or benign to our knowledge